The following is an entry in ClinVar:

ClinVar aggregate classification (germline): Uncertain significance. Review status: criteria provided, multiple submitters, no conflicts (2 of 4 stars). 2 submissions from 2 submitters: Uncertain significance (2). Last evaluated 2025-12-22.

Conditions:
Inborn genetic diseases. Identifiers: MedGen C0950123, MeSH D030342.

Allele frequency attached by ClinVar (database versions not stated): TOPMed 0.00003; ExAC 0.00005; gnomAD 0.00007; 1000 Genomes Project 30x 0.00016; 1000 Genomes Project 0.00020.
gnomAD v4.1: 22 of 1,554,688 alleles (0.0014%); highest among the groups gnomAD compares: Admixed American, 0.023%; no homozygotes.

Submissions (2):

Labcorp Genetics (formerly Invitae), Labcorp
Classification: Uncertain significance. Last evaluated: 2025-12-22. Review status: criteria provided, single submitter. Criteria: Invitae Variant Classification Sherloc (09022015). Collection method: clinical testing. Allele origin: germline.
Comment: This sequence change replaces arginine, which is basic and polar, with glutamine, which is neutral and polar, at codon 676 of the LTBP2 protein (p.Arg676Gln). This variant is present in population databases (rs199710871, gnomAD 0.008%). This variant has not been reported in the literature in individuals affected with LTBP2-related conditions. ClinVar contains an entry for this variant (Variation ID: 1900926). An algorithm developed to predict the effect of missense changes on protein structure and function (PolyPhen-2) suggests that this variant is likely to be disruptive. In summary, the available evidence is currently insufficient to determine the role of this variant in disease. Therefore, it has been classified as a Variant of Uncertain Significance.

Ambry Genetics
Classification: Uncertain significance for Inborn genetic diseases. Last evaluated: 2021-09-28. Review status: criteria provided, single submitter. Criteria: Ambry Variant Classification Scheme 2023. Collection method: clinical testing. Allele origin: germline.

NM_000428.3(LTBP2):c.2027G>A (p.Arg676Gln)

Gene: LTBP2 (latent transforming growth factor beta binding protein 2; minus strand). Cytogenetic location: 14q24.3.
Variant type: single nucleotide variant.
Coding change: c.2027G>A on transcript NM_000428.3 (MANE Select); coding-DNA position 2027, G replaced by A.
Protein change: p.Arg676Gln; replaces arginine 676 with glutamine.
Molecular consequence: missense variant.
Genome position (GRCh38, 1-based): chr14:74,529,083, C>T on the plus strand (G>A on the coding strand, the complement: LTBP2 is on the minus strand). VCF-style: chr14-74529083-C-T. GRCh37 (hg19) VCF-style: chr14-74995786-C-T.
Other names: short protein forms R676Q.
Identifiers: ClinVar variation 1900926 (VCV001900926.6), dbSNP rs199710871, ClinGen allele CA7269664.
Genomic context (GRCh38, chr14:74,529,083, plus strand): 5'-CATATCTGCTTGGTGATCCGCTGGGCCAAAGGCAGGGTGCAGGTGCCGGGCCCCAGCGAC[C>T]GGTAGCACAGTCCCTGCAGCATGGAGATTGCCTTGTCCGCTGCAACAGACACAGCACGTG-3'
Protein context (NP_000419.1, residues 666-686): AISMLQGLCY[Arg676Gln]SLGPGTCTLP